The following is an entry in ClinVar:

ClinVar aggregate classification (germline): Uncertain significance (1 of 4 stars; one submission).

Conditions:
Familial sleep-related hypermotor epilepsy. Also called: Autosomal Dominant Sleep-Related Hypermotor (Hyperkinetic) Epilepsy. Identifiers: Orphanet 98784, MedGen C3696898, MONDO:0000030.

Allele frequency attached by ClinVar (database versions not stated): TOPMed 0.00001; ExAC 0.00002; gnomAD exomes 0.00002.
gnomAD v4.1: 23 of 1,613,864 alleles (0.0014%); highest among the groups gnomAD compares: East Asian, 0.029%; no homozygotes.

Submission:

Labcorp Genetics (formerly Invitae), Labcorp
Classification: Uncertain significance for Familial sleep-related hypermotor epilepsy. Last evaluated: 2023-07-14. Review status: criteria provided, single submitter. Criteria: Invitae Variant Classification Sherloc (09022015). Collection method: clinical testing. Allele origin: germline.
Comment: This sequence change replaces serine, which is neutral and polar, with leucine, which is neutral and non-polar, at codon 140 of the PRIMA1 protein (p.Ser140Leu). This variant is present in population databases (rs769679879, gnomAD 0.02%). This variant has not been reported in the literature in individuals affected with PRIMA1-related conditions. ClinVar contains an entry for this variant (Variation ID: 1045544). An algorithm developed to predict the effect of missense changes on protein structure and function (PolyPhen-2) suggests that this variant is likely to be disruptive. In summary, the available evidence is currently insufficient to determine the role of this variant in disease. Therefore, it has been classified as a Variant of Uncertain Significance.

NM_178013.4(PRIMA1):c.419C>T (p.Ser140Leu)

Gene: PRIMA1 (proline rich membrane anchor 1; minus strand). Cytogenetic location: 14q32.12.
Variant type: single nucleotide variant.
Coding change: c.419C>T on transcript NM_178013.4 (MANE Select); coding-DNA position 419, C replaced by T.
Protein change: p.Ser140Leu; replaces serine 140 with leucine.
Molecular consequence: missense variant.
Genome position (GRCh38, 1-based): chr14:93,721,487, G>A on the plus strand (C>T on the coding strand, the complement: PRIMA1 is on the minus strand). VCF-style: chr14-93721487-G-A. GRCh37 (hg19) VCF-style: chr14-94187833-G-A.
Other names: short protein forms S140L.
Identifiers: ClinVar variation 1045544 (VCV001045544.7), dbSNP rs769679879, ClinGen allele CA7323001.